The following is an entry in ClinVar:

ClinVar aggregate classification (germline): Uncertain significance (1 of 4 stars; one submission).

Allele frequency attached by ClinVar (database versions not stated): gnomAD exomes below 0.00001.

Submission:

Labcorp Genetics (formerly Invitae), Labcorp
Classification: Uncertain significance. Last evaluated: 2025-12-01. Review status: criteria provided, single submitter. Criteria: Invitae Variant Classification Sherloc (09022015). Collection method: clinical testing. Allele origin: germline.
Comment: This sequence change replaces alanine, which is neutral and non-polar, with valine, which is neutral and non-polar, at codon 133 of the TMEM107 protein (p.Ala133Val). This variant is not present in population databases (gnomAD no frequency). This variant has not been reported in the literature in individuals affected with TMEM107-related conditions. ClinVar contains an entry for this variant (Variation ID: 2130226). An algorithm developed to predict the effect of missense changes on protein structure and function outputs the following: PolyPhen-2: "Benign". The valine amino acid residue is found in multiple mammalian species, which suggests that this missense change does not adversely affect protein function. In summary, the available evidence is currently insufficient to determine the role of this variant in disease. Therefore, it has been classified as a Variant of Uncertain Significance.

NM_183065.4(TMEM107):c.380C>T (p.Ala127Val)

Genes: TMEM107 (transmembrane protein 107; minus strand), LOC105371520 (uncharacterized LOC105371520; plus strand). Cytogenetic location: 17p13.1.
Variant type: single nucleotide variant.
Coding change: c.380C>T on transcript NM_183065.4 (MANE Select); coding-DNA position 380, C replaced by T.
Protein change: p.Ala127Val; replaces alanine 127 with valine.
Molecular consequence: missense variant. On other transcripts: non-coding transcript variant (1).
Genome position (GRCh38, 1-based): chr17:8,174,246, G>A on the plus strand (C>T on the coding strand, the complement: TMEM107 is on the minus strand). VCF-style: chr17-8174246-G-A. GRCh37 (hg19) VCF-style: chr17-8077564-G-A.
Other names: c.377C>T, p.Ala126Val (NM_001351278.2); c.359C>T, p.Ala120Val (NM_001351279.2); c.182C>T, p.Ala61Val (NM_001351280.2); c.398C>T, p.Ala133Val (NM_032354.5); short protein forms A126V, A120V, A133V, A127V, A61V.
Identifiers: ClinVar variation 2130226 (VCV002130226.4), dbSNP rs1983944182, ClinGen allele CA397969895.
Genomic context (GRCh38, chr17:8,174,246, plus strand): 5'-TCCCGTCATGAAGGTAATCAGAAGGGTTTCTTTTTCAGCCCAAAGACGGTGACGAATAAA[G>A]CCATTTCAGTGACAGCTGGAAGGGCACTACCAAGGCAAGTGGTAGATTCAGAAACCCTTT-3'
Protein context (NP_898888.1, residues 117-137): CSALPAVTEM[Ala127Val]LFVTVFGLKK